The following is an entry in ClinVar:

ClinVar aggregate classification (germline): Likely pathogenic (1 of 4 stars; one submission).

Submission:

Laboratorio de Genetica e Diagnostico Molecular, Hospital Israelita Albert Einstein
Classification: Likely pathogenic. Last evaluated: 2021-05-19. Review status: criteria provided, single submitter. Criteria: ACMG Guidelines, 2015. Collection method: clinical testing. Allele origin: germline. Affected: yes.
Comment: ACMG classification criteria: PVS1, PM2

NM_006031.6(PCNT):c.5881del (p.Val1961fs)

Gene: PCNT (pericentrin; plus strand). Cytogenetic location: 21q22.3.
Variant type: Deletion.
Coding change: c.5881del on transcript NM_006031.6 (MANE Select); coding-DNA position 5881, one base deleted (G; older notation c.5881delG).
Protein change: p.Val1961fs; shifts the reading frame from valine 1961.
Molecular consequence: frameshift variant.
Genome position (GRCh38, 1-based): chr21:46,411,954, G deleted; the last of 3 consecutive G bases (chr21:46,411,952-46,411,954); deleting any one gives the same sequence. VCF-style (leftmost placement, unchanged base first): chr21-46411951-CG-C. GRCh37 (hg19) VCF-style: chr21-47831865-CG-C.
Other names: c.5879delG (NM_006031.6); c.5527del, p.Val1843fs (NM_001315529.2); short protein forms V1843fs, V1961fs.
Identifiers: ClinVar variation 1690383 (VCV001690383.2), dbSNP rs2147678255, ClinGen allele CA2573157534.